The following is an entry in ClinVar:

ClinVar aggregate classification (germline): Benign. Review status: criteria provided, multiple submitters, no conflicts (2 of 4 stars). 2 submissions from 2 submitters: Benign (2). Last evaluated 2023-11-12.

Allele frequency attached by ClinVar (database versions not stated): 1000 Genomes Project 0.26078; 1000 Genomes Project 30x 0.25219.

Submissions (2):

Unidad de Genómica Garrahan, Hospital de Pediatría Garrahan
Classification: Benign. Last evaluated: 2023-11-12. Review status: criteria provided, single submitter. Criteria: ACMG Guidelines, 2015. Collection method: clinical testing. Allele origin: germline. Affected: no. Observed: 42 variant alleles.
Comment: This variant is classified as Benign based on local population frequency. This variant was detected in 44% of patients studied by a panel of primary immunodeficiencies. Number of patients: 42. Only high quality variants are reported.

GeneDx
Classification: Benign. Last evaluated: 2021-05-14. Review status: criteria provided, single submitter. Criteria: GeneDx Variant Classification Process June 2021. Collection method: clinical testing. Allele origin: germline. Affected: yes.

NM_006254.4(PRKCD):c.1260+123_1260+124insG

Gene: PRKCD (protein kinase C delta; plus strand). Cytogenetic location: 3p21.1.
Variant type: Insertion.
Coding change: c.1260+123_1260+124insG on transcript NM_006254.4 (MANE Select); bases 123 to 124 of the intron after coding-DNA position 1260, G inserted.
Molecular consequence: intron variant.
Genome position: GRCh38 VCF-style: chr3-53186463-C-CG. GRCh37 (hg19) VCF-style: chr3-53220479-C-CG.
Other names: c.1260+123_1260+124insG (NM_001354680.2, NM_001354679.2, NM_212539.2 and 1 more transcripts); c.1317+123_1317+124insG (NM_001354676.2); c.1308+123_1308+124insG (NM_001354678.2).
Identifiers: ClinVar variation 1286984 (VCV001286984.3), dbSNP rs201112426, ClinGen allele CA74814510.